The following is an entry in ClinVar:

ClinVar aggregate classification (germline): Benign/Likely benign. Review status: criteria provided, multiple submitters, no conflicts (2 of 4 stars). 4 submissions from 4 submitters: Benign (2); Likely benign (2). Last evaluated 2026-02-01.

Conditions:
Hereditary spastic paraplegia 74. Also called: Spastic paraplegia 74, autosomal recessive. Identifiers: Orphanet 468661, MedGen C5568837, MONDO:0014644, OMIM 616451.
Multiple mitochondrial dysfunctions syndrome 3 (MMDS3). Identifiers: Orphanet 363424, MedGen C3809165, MONDO:0014132, OMIM 615330.

Allele frequency attached by ClinVar (database versions not stated): ESP Exome Variant Server 0.00384; gnomAD exomes 0.01095; gnomAD 0.01203; TOPMed 0.01388; 1000 Genomes Project 30x 0.02608; 1000 Genomes Project 0.02696.
gnomAD v4.1: 7,953 of 1,537,372 alleles (0.52%); highest among the groups gnomAD compares: East Asian, 7.9%; 183 homozygotes.

Submissions (4):

Labcorp Genetics (formerly Invitae), Labcorp
Classification: Likely benign for Multiple mitochondrial dysfunctions syndrome 3; Hereditary spastic paraplegia 74. Last evaluated: 2026-02-01. Review status: criteria provided, single submitter. Criteria: Invitae Variant Classification Sherloc (09022015). Collection method: clinical testing. Allele origin: germline.

Mayo Clinic Laboratories, Mayo Clinic
Classification: Benign. Last evaluated: 2022-03-24. Review status: criteria provided, single submitter. Criteria: ACMG Guidelines, 2015. Collection method: clinical testing. Allele origin: germline. Observed: 30 variant alleles.

GeneDx
Classification: Benign. Last evaluated: 2016-03-15. Review status: criteria provided, single submitter. Criteria: GeneDx Variant Classification (06012015). Collection method: clinical testing. Allele origin: germline. Affected: yes.
Comment: This variant is considered likely benign or benign based on one or more of the following criteria: it is a conservative change, it occurs at a poorly conserved position in the protein, it is predicted to be benign by multiple in silico algorithms, and/or has population frequency not consistent with disease.

Breakthrough Genomics
Classification: Likely benign. Review status: criteria provided, single submitter. Criteria: ACMG Guidelines, 2015. Collection method: not provided. Allele origin: germline. Inheritance: Autosomal recessive inheritance. Affected: yes.

NM_001010867.4(IBA57):c.264C>G (p.Ala88=)

Gene: IBA57 (iron-sulfur cluster assembly factor IBA57; plus strand). Cytogenetic location: 1q42.13.
Variant type: single nucleotide variant.
Coding change: c.264C>G on transcript NM_001010867.4 (MANE Select); coding-DNA position 264, C replaced by G.
Protein change: p.Ala88=; no amino-acid change (alanine 88 retained).
Molecular consequence: synonymous variant.
Genome position (GRCh38, 1-based): chr1:228,166,080, C>G. VCF-style: chr1-228166080-C-G. GRCh37 (hg19) VCF-style: chr1-228353781-C-G.
Other names: p.Ala88=.
Identifiers: ClinVar variation 382792 (VCV000382792.14), dbSNP rs13375853, ClinGen allele CA1431089.
Genomic context (GRCh38, chr1:228,166,080, plus strand): 5'-CTTCCTGCTAGGGCTGCTGACCAATGAACTGCCGCTTCCGAGTCCTGCGGCCGCGGGGGC[C>G]CCGCCTGCTGCGCGCGCGGGCTACGCCCACTTCCTGAACGTGCAGGGCCGGACGCTCTAT-3'
Protein context (NP_001010867.1, residues 78-98): LPLPSPAAAG[Ala88=]PPAARAGYAH